The following is an entry in ClinVar:

NM_001009944.3(PKD1):c.11965G>A (p.Gly3989Ser)

Gene: PKD1 (polycystin 1, transient receptor potential channel interacting; minus strand). Cytogenetic location: 16p13.3.
Variant type: single nucleotide variant.
Coding change: c.11965G>A on transcript NM_001009944.3 (MANE Select); coding-DNA position 11965, G replaced by A.
Protein change: p.Gly3989Ser; replaces glycine 3989 with serine.
Molecular consequence: missense variant.
Genome position (GRCh38, 1-based): chr16:2,090,922, C>T on the plus strand (G>A on the coding strand, the complement: PKD1 is on the minus strand). VCF-style: chr16-2090922-C-T. GRCh37 (hg19) VCF-style: chr16-2140923-C-T.
Other names: c.11962G>A, p.Gly3988Ser (NM_000296.4); c.11962G>A (NM_000296.3); short protein forms G3988S, G3989S.
Identifiers: ClinVar variation 997330 (VCV000997330.9), dbSNP rs200279710, ClinGen allele CA7828926.
Genomic context (GRCh38, chr16:2,090,922, plus strand): 5'-CGCCCACCGGCCCAGCCCTCACCTTGACCAAAAGCAGGAAGAGCAGCGAGGCCGCCAGGC[C>T]ACGGGCTGCGGAGCTCAGCTGCGCCACCTGGTCGAAGCTAGTGAAGCGGCGCGGGCGGCC-3'
Protein context (NP_001009944.3, residues 3979-3999): QVAQLSSAAR[Gly3989Ser]LAASLLFLLL

ClinVar aggregate classification (germline): Conflicting classifications of pathogenicity. Review status: criteria provided, conflicting classifications (1 of 4 stars). 6 submissions from 6 submitters: Uncertain significance (1); Likely benign (3). 2 of the submissions do not count toward it. Last evaluated 2025-03-27.

Conditions:
Polycystic kidney disease. Also called: Polycystic kidney dysplasia; Kidney, Polycystic. Identifiers: MedGen C0022680, MeSH D007690, MONDO:0020642, HP:0000113.
PKD1-related disorder. Also called: PKD1-related condition.
Inborn genetic diseases. Identifiers: MedGen C0950123, MeSH D030342.
Polycystic kidney disease, adult type (PKD1). Also called: POLYCYSTIC KIDNEY DISEASE, ADULT, TYPE I; Polycystic Kidney Disease 1, Autosomal Dominant; Polycystic kidney disease 1; Polycystic kidney disease 1, severe; Polycystic Kidney, Autosomal Dominant; POLYCYSTIC KIDNEY DISEASE 1 WITH OR WITHOUT POLYCYSTIC LIVER DISEASE. Identifiers: MedGen C3149841, MONDO:0008263, OMIM 173900.

Allele frequency attached by ClinVar (database versions not stated): gnomAD exomes 0.00008 and 0.00019; ExAC 0.00032; 1000 Genomes Project 0.00060; gnomAD 0.00074 and 0.00076; 1000 Genomes Project 30x 0.00078; TOPMed 0.00081; ESP Exome Variant Server 0.00087.
gnomAD v4.1: 219 of 1,585,392 alleles (0.014%); highest among the groups gnomAD compares: African/African-American, 0.24%; no homozygotes.

Submissions (6):

Women's Health and Genetics/Laboratory Corporation of America, LabCorp
Classification: Likely benign. Last evaluated: 2025-03-27. Review status: criteria provided, single submitter. Criteria: LabCorp Variant Classification Summary - May 2015. Collection method: clinical testing. Allele origin: germline.
Comment: Variant summary: PKD1 c.11965G>A (p.Gly3989Ser) results in a non-conservative amino acid change in the encoded protein sequence. Four of five in-silico tools predict a benign effect of the variant on protein function. The variant allele was found at a frequency of 0.00019 in 193312 control chromosomes, predominantly at a frequency of 0.0029 within the African or African-American subpopulation in the gnomAD database. The observed variant frequency within African or African-American control individuals in the gnomAD database exceeds the estimated maximal expected allele frequency for a pathogenic variant in PKD1 causing PKD1-Biallelic Autosomal Recessive Polycystic Kidney Disease phenotype. To our knowledge, no occurrence of c.11965G>A in individuals affected with PKD1-Biallelic Autosomal Recessive Polycystic Kidney Disease and no experimental evidence demonstrating its impact on protein function have been reported. ClinVar contains an entry for this variant (Variation ID: 997330). Based on the evidence outlined above, the variant was classified as likely benign.

Fulgent Genetics
Classification: Likely benign for Polycystic kidney disease, adult type. Last evaluated: 2021-11-11. Review status: criteria provided, single submitter. Criteria: ACMG Guidelines, 2015. Collection method: clinical testing. Allele origin: unknown.

Ambry Genetics
Classification: Uncertain significance for Inborn genetic diseases. Last evaluated: 2021-10-22. Review status: criteria provided, single submitter. Criteria: Ambry Variant Classification Scheme 2023. Collection method: clinical testing. Allele origin: germline.

GeneDx
Classification: Likely benign. Last evaluated: 2020-07-27. Review status: criteria provided, single submitter. Criteria: GeneDx Variant Classification Process June 2021. Collection method: clinical testing. Allele origin: germline. Affected: yes.

PreventionGenetics, part of Exact Sciences
Classification: Likely benign for PKD1-related condition. Last evaluated: 2024-05-14. Review status: no assertion criteria provided. Collection method: clinical testing. Allele origin: germline. Not counted in ClinVar's aggregate classification.
Comment: This variant is classified as likely benign based on ACMG/AMP sequence variant interpretation guidelines (Richards et al. 2015 PMID: 25741868, with internal and published modifications).

Department of Pathology and Laboratory Medicine, Sinai Health System
Classification: Uncertain significance for Polycystic Kidney disease. Review status: no assertion criteria provided. Collection method: clinical testing. Allele origin: unknown. Affected: yes. Study: The Canadian Open Genetics Repository (COGR). Not counted in ClinVar's aggregate classification.
Comment: The PKD1 p.Gly3989Ser variant was not identified in the literature nor was it identified in the ClinVar, LOVD 3.0, ADPKD Mutation Database, or PKD1-LOVD, databases. The variant was identified in dbSNP (ID: rs200279710). The variant was identified in control databases in 62 of 221398 chromosomes at a frequency of 0.0003 increasing the likelihood this could be a low frequency benign variant (Genome Aggregation Database Feb 27, 2017). The variant was observed in the following populations: African in 58 of 19518 chromosomes (freq: 0.003), Latino in 3 of 30950 chromosomes (freq: 0.0001), European in 1 of 97746 chromosomes (freq: 0.00001), while the variant was not observed in the Other, Ashkenazi Jewish, East Asian, Finnish, and South Asian populations. The p.Gly3989 residue is not conserved in mammals and computational analyses (PolyPhen-2, SIFT, AlignGVGD, BLOSUM, MutationTaster) do not suggest a high likelihood of impact to the protein; however, this information is not predictive enough to rule out pathogenicity. The variant occurs outside of the splicing consensus sequence and 1 of 4 in silico or computational prediction software programs (SpliceSiteFinder, MaxEntScan, NNSPLICE, GeneSplicer) predict a greater than 10% difference in splicing; this is not very predictive of pathogenicity. In summary, based on the above information the clinical significance of this variant cannot be determined with certainty at this time. This variant is classified as a variant of uncertain significance.